The following is an entry in ClinVar:

NM_000179.3(MSH6):c.1324A>T (p.Ile442Phe)

Gene: MSH6 (mutS homolog 6; plus strand). Cytogenetic location: 2p16.3.
Variant type: single nucleotide variant.
Coding change: c.1324A>T on transcript NM_000179.3 (MANE Select); coding-DNA position 1324, A replaced by T.
Protein change: p.Ile442Phe; replaces isoleucine 442 with phenylalanine.
Molecular consequence: missense variant.
Genome position (GRCh38, 1-based): chr2:47,799,307, A>T. VCF-style: chr2-47799307-A-T. GRCh37 (hg19) VCF-style: chr2-48026446-A-T.
Other names: c.934A>T, p.Ile312Phe (NM_001281492.2); c.418A>T, p.Ile140Phe (NM_001281493.2, NM_001281494.2); short protein forms I312F, I140F, I442F.
Identifiers: ClinVar variation 1045830 (VCV001045830.11), dbSNP rs1669320105, ClinGen allele CA346744468.

ClinVar aggregate classification (germline): Uncertain significance (1 of 4 stars; one submission).

Conditions:
Hereditary nonpolyposis colorectal neoplasms. Identifiers: MedGen C0009405, MeSH D003123.

Submission:

Labcorp Genetics (formerly Invitae), Labcorp
Classification: Uncertain significance for Hereditary nonpolyposis colorectal neoplasms. Last evaluated: 2022-10-05. Review status: criteria provided, single submitter. Criteria: Invitae Variant Classification Sherloc (09022015). Collection method: clinical testing. Allele origin: germline.
Comment: In summary, the available evidence is currently insufficient to determine the role of this variant in disease. Therefore, it has been classified as a Variant of Uncertain Significance. Advanced modeling of protein sequence and biophysical properties (such as structural, functional, and spatial information, amino acid conservation, physicochemical variation, residue mobility, and thermodynamic stability) performed at Invitae indicates that this missense variant is not expected to disrupt MSH6 protein function. ClinVar contains an entry for this variant (Variation ID: 1045830). This variant has not been reported in the literature in individuals affected with MSH6-related conditions. This variant is not present in population databases (gnomAD no frequency). This sequence change replaces isoleucine, which is neutral and non-polar, with phenylalanine, which is neutral and non-polar, at codon 442 of the MSH6 protein (p.Ile442Phe).